The following is an entry in ClinVar:

ClinVar aggregate classification (germline): Uncertain significance (1 of 4 stars; one submission).

Conditions:
Multiple endocrine neoplasia, type 1 (MEN1). Also called: Endocrine adenomatosis multiple; MEN 1; MEN I; WERMER SYNDROME; MEA I. Identifiers: Orphanet 652, MedGen C0025267, MeSH D018761, MONDO:0007540, OMIM 131100.

Submission:

Labcorp Genetics (formerly Invitae), Labcorp
Classification: Uncertain significance for Multiple endocrine neoplasia, type 1. Last evaluated: 2020-06-09. Review status: criteria provided, single submitter. Criteria: Invitae Variant Classification Sherloc (09022015). Collection method: clinical testing. Allele origin: germline.
Comment: In summary, the available evidence is currently insufficient to determine the role of this variant in disease. Therefore, it has been classified as a Variant of Uncertain Significance. Algorithms developed to predict the effect of sequence changes on RNA splicing suggest that this variant may create or strengthen a splice site, but this prediction has not been confirmed by published transcriptional studies. Algorithms developed to predict the effect of missense changes on protein structure and function are either unavailable or do not agree on the potential impact of this missense change (SIFT: "Deleterious"; PolyPhen-2: "Benign"; Align-GVGD: "Class C0"). This variant has not been reported in the literature in individuals with MEN1-related conditions. This variant is not present in population databases (ExAC no frequency). This sequence change replaces methionine with arginine at codon 322 of the MEN1 protein (p.Met322Arg). The methionine residue is highly conserved and there is a moderate physicochemical difference between methionine and arginine.

NM_001370259.2(MEN1):c.965T>G (p.Met322Arg)

Gene: MEN1 (menin 1; minus strand). Cytogenetic location: 11q13.1.
Variant type: single nucleotide variant.
Coding change: c.965T>G on transcript NM_001370259.2 (MANE Select); coding-DNA position 965, T replaced by G.
Protein change: p.Met322Arg; replaces methionine 322 with arginine.
Molecular consequence: missense variant.
Genome position (GRCh38, 1-based): chr11:64,806,316, A>C on the plus strand (T>G on the coding strand, the complement: MEN1 is on the minus strand). VCF-style: chr11-64806316-A-C. GRCh37 (hg19) VCF-style: chr11-64573788-A-C.
Other names: c.980T>G, p.Met327Arg (NM_000244.4, NM_130800.3, NM_130801.3 and 3 more transcripts); c.965T>G, p.Met322Arg (NM_001370251.2, NM_001370260.2, NM_001370261.2 and 1 more transcripts); c.860T>G, p.Met287Arg (NM_001370262.2, NM_001370263.2); short protein forms M287R, M322R, M327R.
Identifiers: ClinVar variation 1000526 (VCV001000526.8), dbSNP rs1941725569, ClinGen allele CA381183347.